The following is an entry in ClinVar:

ClinVar aggregate classification (germline): Likely benign. Review status: criteria provided, multiple submitters, no conflicts (2 of 4 stars). 3 submissions from 3 submitters: Likely benign (2). 1 of the submissions does not count toward it. Last evaluated 2026-01-01.

Conditions:
CACNA1D-related disorder.

Allele frequency attached by ClinVar (database versions not stated): TOPMed below 0.00001; gnomAD exomes 0.00001.

Submissions (3):

CeGaT Center for Human Genetics Tuebingen
Classification: Likely benign. Last evaluated: 2026-01-01. Review status: criteria provided, single submitter. Criteria: CeGaT Center For Human Genetics Tuebingen Variant Classification Criteria Version 2. Collection method: clinical testing. Allele origin: germline. Affected: yes. Observed: 1 variant allele.
Comment: CACNA1D: BP4

Labcorp Genetics (formerly Invitae), Labcorp
Classification: Likely benign. Last evaluated: 2025-10-08. Review status: criteria provided, single submitter. Criteria: Invitae Variant Classification Sherloc (09022015). Collection method: clinical testing. Allele origin: germline.

PreventionGenetics, part of Exact Sciences
Classification: Likely benign for CACNA1D-related condition. Last evaluated: 2019-09-03. Review status: no assertion criteria provided. Collection method: clinical testing. Allele origin: germline. Not counted in ClinVar's aggregate classification.
Comment: This variant is classified as likely benign based on ACMG/AMP sequence variant interpretation guidelines (Richards et al. 2015 PMID: 25741868, with internal and published modifications).

NM_001128840.3(CACNA1D):c.3315-4C>G

Gene: CACNA1D (calcium voltage-gated channel subunit alpha1 D; plus strand). Cytogenetic location: 3p21.1.
Variant type: single nucleotide variant.
Coding change: c.3315-4C>G on transcript NM_001128840.3 (MANE Select); 4 bases into the intron before coding-DNA position 3315, C replaced by G.
Molecular consequence: intron variant.
Genome position (GRCh38, 1-based): chr3:53,749,264, C>G. VCF-style: chr3-53749264-C-G. GRCh37 (hg19) VCF-style: chr3-53783291-C-G.
Other names: c.3315-4C>G (NM_001128839.3); c.3375-4C>G (NM_000720.4, NM_000720.3).
Identifiers: ClinVar variation 1964271 (VCV001964271.11), dbSNP rs1270545506, ClinGen allele CA433801549.